The following is an entry in ClinVar:

NM_006361.6(HOXB13):c.331G>C (p.Ala111Pro)

Gene: HOXB13 (homeobox B13; minus strand). Cytogenetic location: 17q21.32.
Variant type: single nucleotide variant.
Coding change: c.331G>C on transcript NM_006361.6 (MANE Select); coding-DNA position 331, G replaced by C.
Protein change: p.Ala111Pro; replaces alanine 111 with proline.
Molecular consequence: missense variant.
Genome position (GRCh38, 1-based): chr17:48,728,263, C>G on the plus strand (G>C on the coding strand, the complement: HOXB13 is on the minus strand). VCF-style: chr17-48728263-C-G. GRCh37 (hg19) VCF-style: chr17-46805625-C-G.
Other names: short protein forms A111P.
Identifiers: ClinVar variation 4644057 (VCV004644057.1).

ClinVar aggregate classification (germline): Uncertain significance (1 of 4 stars; one submission).

Conditions:
Hereditary cancer-predisposing syndrome. Also called: Neoplastic Syndromes, Hereditary; Tumor predisposition; Hereditary Cancer Syndrome; Hereditary neoplastic syndrome. Identifiers: Orphanet 140162, MedGen C0027672, MeSH D009386, MONDO:0015356.

Submission:

Ambry Genetics
Classification: Uncertain significance for Hereditary cancer-predisposing syndrome. Last evaluated: 2025-10-11. Review status: criteria provided, single submitter. Criteria: Ambry Variant Classification Scheme 2023. Collection method: clinical testing. Allele origin: germline.
Comment: The p.A111P variant (also known as c.331G>C), located in coding exon 1 of the HOXB13 gene, results from a G to C substitution at nucleotide position 331. The alanine at codon 111 is replaced by proline, an amino acid with highly similar properties. This amino acid position is conserved. In addition, this alteration is predicted to be tolerated by in silico analysis. Based on the available evidence, the clinical significance of this variant remains unclear.